The following is an entry in ClinVar:

ClinVar aggregate classification (germline): Uncertain significance (1 of 4 stars; one submission).

Allele frequency attached by ClinVar (database versions not stated): TOPMed below 0.00001; ExAC 0.00001.
gnomAD v4.1: 18 of 1,614,220 alleles (0.0011%); highest among the groups gnomAD compares: Non-Finnish European, 0.0015%; no homozygotes.

Submission:

Labcorp Genetics (formerly Invitae), Labcorp
Classification: Uncertain significance. Last evaluated: 2022-10-25. Review status: criteria provided, single submitter. Criteria: Invitae Variant Classification Sherloc (09022015). Collection method: clinical testing. Allele origin: germline.
Comment: In summary, the available evidence is currently insufficient to determine the role of this variant in disease. Therefore, it has been classified as a Variant of Uncertain Significance. Advanced modeling of protein sequence and biophysical properties (such as structural, functional, and spatial information, amino acid conservation, physicochemical variation, residue mobility, and thermodynamic stability) performed at Invitae indicates that this missense variant is not expected to disrupt POLR3A protein function. This variant has not been reported in the literature in individuals affected with POLR3A-related conditions. This variant is present in population databases (rs746393809, gnomAD 0.0009%). This sequence change replaces lysine, which is basic and polar, with glutamic acid, which is acidic and polar, at codon 23 of the POLR3A protein (p.Lys23Glu).

NM_007055.4(POLR3A):c.67A>G (p.Lys23Glu)

Gene: POLR3A (RNA polymerase III subunit A; minus strand). Cytogenetic location: 10q22.3.
Variant type: single nucleotide variant.
Coding change: c.67A>G on transcript NM_007055.4 (MANE Select); coding-DNA position 67, A replaced by G.
Protein change: p.Lys23Glu; replaces lysine 23 with glutamic acid.
Molecular consequence: missense variant.
Genome position (GRCh38, 1-based): chr10:78,026,207, T>C on the plus strand (A>G on the coding strand, the complement: POLR3A is on the minus strand). VCF-style: chr10-78026207-T-C. GRCh37 (hg19) VCF-style: chr10-79785965-T-C.
Other names: short protein forms K23E.
Identifiers: ClinVar variation 2419065 (VCV002419065.3), dbSNP rs746393809, ClinGen allele CA5571802.
Genomic context (GRCh38, chr10:78,026,207, plus strand): 5'-TGTACAGGTTCTTACTCACAACTTGGATGTGCGCCTGCTGGCGCATCTCCTCAGGTGACT[T>C]CATTCCAAAACAGATGTGGCTTCTGGAATGGGAAGAAAAAGGTGAAAATTACAGCAAAAT-3'
Protein context (NP_008986.2, residues 13-33): KKISHICFGM[Lys23Glu]SPEEMRQQAH